The following is an entry in ClinVar:

NM_000117.3(EMD):c.430G>T (p.Glu144Ter)

Gene: EMD (emerin; plus strand). Cytogenetic location: Xq28.
Variant type: single nucleotide variant.
Coding change: c.430G>T on transcript NM_000117.3 (MANE Select); coding-DNA position 430, G replaced by T.
Protein change: p.Glu144Ter; replaces glutamic acid 144 with a stop codon.
Molecular consequence: nonsense.
Genome position (GRCh38, 1-based): chrX:154,380,783, G>T. VCF-style: chrX-154380783-G-T. GRCh37 (hg19) VCF-style: chrX-153609143-G-T.
Other names: short protein forms E144*.
Identifiers: ClinVar variation 462824 (VCV000462824.15), dbSNP rs1557182560, ClinGen allele CA415258268.

ClinVar aggregate classification (germline): Pathogenic. Review status: criteria provided, multiple submitters, no conflicts (2 of 4 stars). 2 submissions from 2 submitters: Pathogenic (2). Last evaluated 2022-02-09.

Conditions:
X-linked Emery-Dreifuss muscular dystrophy. Also called: Muscular dystrophy, tardive Emery-Dreifuss type, with contractures. Identifiers: Orphanet 261, Orphanet 98863, MedGen C0751337, MONDO:0010680.

Submissions (4):

Labcorp Genetics (formerly Invitae), Labcorp
Classification: Pathogenic for X-linked Emery-Dreifuss muscular dystrophy. Last evaluated: 2022-02-09. Review status: criteria provided, single submitter. Criteria: Invitae Variant Classification Sherloc (09022015). Collection method: clinical testing. Allele origin: germline.
Comment: This sequence change creates a premature translational stop signal (p.Glu144*) in the EMD gene. While this is not anticipated to result in nonsense mediated decay, it is expected to disrupt the last 111 amino acid(s) of the EMD protein. This variant is not present in population databases (gnomAD no frequency). This premature translational stop signal has been observed in individuals with Emery-Dreifuss muscular dystrophy (PMID: 21520333). ClinVar contains an entry for this variant (Variation ID: 462824). This variant disrupts a region of the EMD protein in which other variant(s) (p.Trp226*) have been determined to be pathogenic (PMID: 8589715, 15967842). This suggests that this is a clinically significant region of the protein, and that variants that disrupt it are likely to be disease-causing. For these reasons, this variant has been classified as Pathogenic.

Eurofins Ntd Llc (ga)
Classification: Pathogenic. Last evaluated: 2017-03-03. Review status: criteria provided, single submitter. Criteria: EGL Classification Definitions 2015. Collection method: clinical testing. Allele origin: germline. Observed: 2 variant alleles, 2 hemizygotes.

Dr. Peter K. Rogan Lab, Western University
No classification provided (evidence only). Condition: Thyroid cancer, nonmedullary, 1. Review status: no classification provided. Collection method: in vitro. Allele origin: not applicable. Functional consequence: retained intron. Not counted in ClinVar's aggregate classification.

Dr. Peter K. Rogan Lab, Western University
No classification provided (evidence only). Condition: Thyroid cancer, nonmedullary, 1. Review status: no classification provided. Collection method: in vitro. Allele origin: not applicable. Functional consequence: retained intron. Not counted in ClinVar's aggregate classification.

Literature cited by the submitters: PubMed 21520333 (cited by Labcorp Genetics (formerly Invitae), Labcorp); PubMed 8589715 (cited by Labcorp Genetics (formerly Invitae), Labcorp); PubMed 15967842 (cited by Labcorp Genetics (formerly Invitae), Labcorp).